The following is an entry in ClinVar:

NM_001378454.1(ALMS1):c.8495A>C (p.Asn2832Thr)

Gene: ALMS1 (ALMS1 centrosome and basal body associated protein; plus strand). Cytogenetic location: 2p13.1.
Variant type: single nucleotide variant.
Coding change: c.8495A>C on transcript NM_001378454.1 (MANE Select); coding-DNA position 8495, A replaced by C.
Protein change: p.Asn2832Thr; replaces asparagine 2832 with threonine.
Molecular consequence: missense variant.
Genome position (GRCh38, 1-based): chr2:73,490,454, A>C. VCF-style: chr2-73490454-A-C. GRCh37 (hg19) VCF-style: chr2-73717581-A-C.
Other names: c.8498A>C, p.Asn2833Thr (NM_015120.4); short protein forms N2833T, N2832T.
Identifiers: ClinVar variation 2013273 (VCV002013273.4), dbSNP rs2103892060, ClinGen allele CA347269136.

ClinVar aggregate classification (germline): Uncertain significance (1 of 4 stars; one submission).

Conditions:
Alstrom syndrome (ALMS). Identifiers: Orphanet 64, MedGen C0268425, MONDO:0008763, OMIM 203800.

Submission:

Labcorp Genetics (formerly Invitae), Labcorp
Classification: Uncertain significance for Alstrom syndrome. Last evaluated: 2023-12-06. Review status: criteria provided, single submitter. Criteria: Invitae Variant Classification Sherloc (09022015). Collection method: clinical testing. Allele origin: germline.
Comment: This sequence change replaces asparagine, which is neutral and polar, with threonine, which is neutral and polar, at codon 2833 of the ALMS1 protein (p.Asn2833Thr). This variant is not present in population databases (gnomAD no frequency). This variant has not been reported in the literature in individuals affected with ALMS1-related conditions. ClinVar contains an entry for this variant (Variation ID: 2013273). Experimental studies and prediction algorithms are not available or were not evaluated, and the functional significance of this variant is currently unknown. In summary, the available evidence is currently insufficient to determine the role of this variant in disease. Therefore, it has been classified as a Variant of Uncertain Significance.